The following is an entry in ClinVar:

NM_001127198.5(TMC6):c.263G>A (p.Arg88His)

Gene: TMC6 (transmembrane channel like 6; minus strand). Cytogenetic location: 17q25.3.
Variant type: single nucleotide variant.
Coding change: c.263G>A on transcript NM_001127198.5 (MANE Select); coding-DNA position 263, G replaced by A.
Protein change: p.Arg88His; replaces arginine 88 with histidine.
Molecular consequence: missense variant. On other transcripts: non-coding transcript variant (4).
Genome position (GRCh38, 1-based): chr17:78,126,285, C>T on the plus strand (G>A on the coding strand, the complement: TMC6 is on the minus strand). VCF-style: chr17-78126285-C-T. GRCh37 (hg19) VCF-style: chr17-76122366-C-T.
Other names: c.263G>A, p.Arg88His (NM_001321185.1, NM_001374593.1, NM_001374594.1 and 4 more transcripts); short protein forms R88H.
Identifiers: ClinVar variation 1932151 (VCV001932151.5), dbSNP rs374222927, ClinGen allele CA8796207.

ClinVar aggregate classification (germline): Uncertain significance. Review status: criteria provided, multiple submitters, no conflicts (2 of 4 stars). 2 submissions from 2 submitters: Uncertain significance (2). Last evaluated 2024-03-01.

Conditions:
Epidermodysplasia verruciformis. Identifiers: Orphanet 302, MedGen C0014522, MONDO:0009176.
Inborn genetic diseases. Identifiers: MedGen C0950123, MeSH D030342.

Allele frequency attached by ClinVar (database versions not stated): gnomAD 0.00001; TOPMed 0.00002; ESP Exome Variant Server 0.00008.

Submissions (2):

Ambry Genetics
Classification: Uncertain significance for Inborn genetic diseases. Last evaluated: 2024-03-01. Review status: criteria provided, single submitter. Criteria: Ambry Variant Classification Scheme 2023. Collection method: clinical testing. Allele origin: germline.

Labcorp Genetics (formerly Invitae), Labcorp
Classification: Uncertain significance for Epidermodysplasia verruciformis. Last evaluated: 2022-05-31. Review status: criteria provided, single submitter. Criteria: Invitae Variant Classification Sherloc (09022015). Collection method: clinical testing. Allele origin: germline.
Comment: In summary, the available evidence is currently insufficient to determine the role of this variant in disease. Therefore, it has been classified as a Variant of Uncertain Significance. Algorithms developed to predict the effect of missense changes on protein structure and function are either unavailable or do not agree on the potential impact of this missense change (SIFT: "Not Available"; PolyPhen-2: "Possibly Damaging"; Align-GVGD: "Not Available"). This variant has not been reported in the literature in individuals affected with TMC6-related conditions. This variant is present in population databases (rs374222927, gnomAD 0.006%). This sequence change replaces arginine, which is basic and polar, with histidine, which is basic and polar, at codon 88 of the TMC6 protein (p.Arg88His).